The following is an entry in ClinVar:

NM_021930.6(RINT1):c.427G>A (p.Asp143Asn)

Gene: RINT1 (RAD50 interactor 1; plus strand). Cytogenetic location: 7q22.3.
Variant type: single nucleotide variant.
Coding change: c.427G>A on transcript NM_021930.6 (MANE Select); coding-DNA position 427, G replaced by A.
Protein change: p.Asp143Asn; replaces aspartic acid 143 with asparagine.
Molecular consequence: missense variant. On other transcripts: 5 prime UTR variant (3), non-coding transcript variant (1).
Genome position (GRCh38, 1-based): chr7:105,542,561, G>A. VCF-style: chr7-105542561-G-A. GRCh37 (hg19) VCF-style: chr7-105183008-G-A.
Other names: c.193G>A, p.Asp65Asn (NM_001346599.2); c.-593G>A (NM_001346600.2); c.-496G>A (NM_001346601.2); c.-116G>A (NM_001346603.2); short protein forms D143N, D65N.
Identifiers: ClinVar variation 1018648 (VCV001018648.12), dbSNP rs750288704, ClinGen allele CA4426422.

ClinVar aggregate classification (germline): Uncertain significance. Review status: criteria provided, multiple submitters, no conflicts (2 of 4 stars). 2 submissions from 2 submitters: Uncertain significance (2). Last evaluated 2025-08-01.

Allele frequency attached by ClinVar (database versions not stated): gnomAD exomes below 0.00001; ExAC 0.00001; gnomAD 0.00001; TOPMed 0.00001.
gnomAD v4.1: 4 of 1,614,028 alleles (0.00025%); highest among the groups gnomAD compares: Non-Finnish European, 0.00034%; no homozygotes.

Submissions (2):

Ambry Genetics
Classification: Uncertain significance. Last evaluated: 2025-08-01. Review status: criteria provided, single submitter. Criteria: Ambry Variant Classification Scheme 2023. Collection method: clinical testing. Allele origin: germline.
Comment: The p.D143N variant (also known as c.427G>A), located in coding exon 4 of the RINT1 gene, results from a G to A substitution at nucleotide position 427. The aspartic acid at codon 143 is replaced by asparagine, an amino acid with highly similar properties. This amino acid position is not well conserved in available vertebrate species. In addition, this alteration is predicted to be tolerated by in silico analysis. Since supporting evidence is limited at this time, the clinical significance of this alteration remains unclear.

Labcorp Genetics (formerly Invitae), Labcorp
Classification: Uncertain significance. Last evaluated: 2023-10-17. Review status: criteria provided, single submitter. Criteria: Invitae Variant Classification Sherloc (09022015). Collection method: clinical testing. Allele origin: germline.
Comment: This sequence change replaces aspartic acid, which is acidic and polar, with asparagine, which is neutral and polar, at codon 143 of the RINT1 protein (p.Asp143Asn). This variant is present in population databases (rs750288704, gnomAD 0.0009%). This variant has not been reported in the literature in individuals affected with RINT1-related conditions. ClinVar contains an entry for this variant (Variation ID: 1018648). An algorithm developed to predict the effect of missense changes on protein structure and function (PolyPhen-2) suggests that this variant is likely to be tolerated. In summary, the available evidence is currently insufficient to determine the role of this variant in disease. Therefore, it has been classified as a Variant of Uncertain Significance.